The following is an entry in ClinVar:

ClinVar aggregate classification (germline): Uncertain significance (1 of 4 stars; one submission).

Conditions:
Hypertrophic cardiomyopathy. Also called: HYPERTROPHIC MYOCARDIOPATHY. Identifiers: Orphanet 217569, MedGen C0007194, MeSH D002312, MONDO:0005045, HP:0001639.

Submission:

Labcorp Genetics (formerly Invitae), Labcorp
Classification: Uncertain significance for Hypertrophic cardiomyopathy. Last evaluated: 2022-11-22. Review status: criteria provided, single submitter. Criteria: Invitae Variant Classification Sherloc (09022015). Collection method: clinical testing. Allele origin: germline.
Comment: In summary, the available evidence is currently insufficient to determine the role of this variant in disease. Therefore, it has been classified as a Variant of Uncertain Significance. Algorithms developed to predict the effect of missense changes on protein structure and function are either unavailable or do not agree on the potential impact of this missense change (SIFT: "Tolerated"; PolyPhen-2: "Possibly Damaging"; Align-GVGD: "Class C0"). This variant has not been reported in the literature in individuals affected with JPH2-related conditions. This variant is not present in population databases (gnomAD no frequency). This sequence change replaces leucine, which is neutral and non-polar, with valine, which is neutral and non-polar, at codon 220 of the JPH2 protein (p.Leu220Val).

NM_020433.5(JPH2):c.658C>G (p.Leu220Val)

Gene: JPH2 (junctophilin 2; minus strand). Cytogenetic location: 20q13.12.
Variant type: single nucleotide variant.
Coding change: c.658C>G on transcript NM_020433.5 (MANE Select); coding-DNA position 658, C replaced by G.
Protein change: p.Leu220Val; replaces leucine 220 with valine.
Molecular consequence: missense variant.
Genome position (GRCh38, 1-based): chr20:44,160,129, G>C on the plus strand (C>G on the coding strand, the complement: JPH2 is on the minus strand). VCF-style: chr20-44160129-G-C. GRCh37 (hg19) VCF-style: chr20-42788769-G-C.
Other names: short protein forms L220V.
Identifiers: ClinVar variation 2187918 (VCV002187918.4), dbSNP rs2072598539, ClinGen allele CA409093940.
Genomic context (GRCh38, chr20:44,160,129, plus strand): 5'-CCACGGACGTGCGCGACTCTGCGCGCCGCAGCTTGCCCAGCAGCGCGCCCCGCTGGAAGA[G>C]GCCGCCGCCCTTGGGCGCCCGCGCGGCCGCCTCGGCATTGGCCAGGAGGCTGAGCGCGAA-3'
Protein context (NP_065166.2, residues 210-230): AAARAPKGGG[Leu220Val]FQRGALLGKL